The following is an entry in ClinVar:

ClinVar aggregate classification (germline): Uncertain significance (1 of 4 stars; one submission).

Submission:

GeneDx
Classification: Uncertain significance. Last evaluated: 2025-02-19. Review status: criteria provided, single submitter. Criteria: GeneDx Variant Classification Process June 2021. Collection method: clinical testing. Allele origin: germline. Affected: yes.
Comment: Not observed at significant frequency in large population cohorts (gnomAD); Frameshift variant predicted to result in abnormal protein length as the last 44 amino acids are replaced with 15 different amino acids; Has not been previously published as pathogenic or benign to our knowledge

NM_018990.4(SASH3):c.1010_1011del (p.Thr337fs)

Gene: SASH3 (SAM and SH3 domain containing 3; plus strand). Cytogenetic location: Xq26.1.
Variant type: Microsatellite.
Coding change: c.1010_1011del on transcript NM_018990.4 (MANE Select); coding-DNA positions 1010 to 1011, 2 bases deleted (CA; older notation c.1010_1011delCA).
Protein change: p.Thr337fs; shifts the reading frame from threonine 337.
Molecular consequence: frameshift variant.
Genome position (GRCh38, 1-based): chrX:129,793,699-129,793,700, CA deleted; deleting any 2 consecutive bases within chrX:129,793,693-129,793,700 gives the same sequence; the c. name uses the placement nearest the transcript's 3' end. VCF-style (leftmost placement, unchanged base first): chrX-129793692-GCA-G. GRCh37 (hg19) VCF-style: chrX-128927668-GCA-G.
Other names: short protein forms T337fs.
Identifiers: ClinVar variation 4076709 (VCV004076709.1).